The following is an entry in ClinVar:

ClinVar aggregate classification (germline): Uncertain significance (1 of 4 stars; one submission).

Conditions:
Emery-Dreifuss muscular dystrophy (EDMD). Also called: Scapuloperoneal syndrome, X-linked (formerly); Humeroperoneal neuromuscular disease, (formerly). Identifiers: Orphanet 261, MedGen C0410189, MONDO:0016830.

Allele frequency attached by ClinVar (database versions not stated): TOPMed 0.00001.
gnomAD v4.1: 2 of 1,606,730 alleles (0.00012%); highest among the groups gnomAD compares: Non-Finnish European, 0.00017%; no homozygotes.

Submission:

Labcorp Genetics (formerly Invitae), Labcorp
Classification: Uncertain significance for Emery-Dreifuss muscular dystrophy. Last evaluated: 2019-07-23. Review status: criteria provided, single submitter. Criteria: Invitae Variant Classification Sherloc (09022015). Collection method: clinical testing. Allele origin: germline.
Comment: This sequence change replaces alanine with glycine at codon 248 of the SUN1 protein (p.Ala248Gly). The alanine residue is moderately conserved and there is a small physicochemical difference between alanine and glycine. This variant is not present in population databases (ExAC no frequency). This variant has not been reported in the literature in individuals with SUN1-related conditions. Algorithms developed to predict the effect of missense changes on protein structure and function are either unavailable or do not agree on the potential impact of this missense change (SIFT: "Tolerated"; PolyPhen-2: "Probably Damaging"; Align-GVGD: "Class C0"). In summary, the available evidence is currently insufficient to determine the role of this variant in disease. Therefore, it has been classified as a Variant of Uncertain Significance.

NM_001130965.3(SUN1):c.743C>G (p.Ala248Gly)

Gene: SUN1 (Sad1 and UNC84 domain containing 1; plus strand). Cytogenetic location: 7p22.3.
Variant type: single nucleotide variant.
Coding change: c.743C>G on transcript NM_001130965.3 (MANE Select); coding-DNA position 743, C replaced by G.
Protein change: p.Ala248Gly; replaces alanine 248 with glycine.
Molecular consequence: missense variant. On other transcripts: synonymous variant (1), non-coding transcript variant (3), intron variant (12).
Genome position (GRCh38, 1-based): chr7:851,468, C>G. VCF-style: chr7-851468-C-G. GRCh37 (hg19) VCF-style: chr7-891105-C-G.
Other names: c.743C>G, p.Ala248Gly (NM_001367633.1, NM_001367634.1, NM_001367653.1 and 3 more transcripts); c.397C>G, p.Pro133Ala (NM_001367635.1); c.986C>G, p.Ala329Gly (NM_001367636.1, NM_001367655.1, NM_001367666.1 and 1 more transcripts); c.854C>G, p.Ala285Gly (NM_001367638.1, NM_001367664.1, NM_001367685.1 and 1 more transcripts); c.287C>G, p.Ala96Gly (NM_001367639.1); c.1025C>G, p.Ala342Gly (NM_001367641.1, NM_001367682.1, NM_001367698.1); c.938C>G, p.Ala313Gly (NM_001367643.1, NM_001367693.1, NM_001367697.1); c.677C>G, p.Ala226Gly (NM_001367644.1, NM_001367680.1, NM_001367701.1); and 24 more; short protein forms A263G, A292G, A329G, A386G, A198G, A222G, A226G, A248G.
Identifiers: ClinVar variation 946881 (VCV000946881.1), dbSNP rs1393440678, ClinGen allele CA366528945.